The following is an entry in ClinVar:

ClinVar aggregate classification (germline): Uncertain significance (1 of 4 stars; one submission).

Conditions:
Ataxia-telangiectasia syndrome (AT). Also called: LOUIS-BAR SYNDROME; Ataxia telangiectasia (A-T); Cerebello-oculocutaneous telangiectasia; Immunodeficiency with ataxia telangiectasia; ATAXIA-TELANGIECTASIA, COMPLEMENTATION GROUP A; ATAXIA-TELANGIECTASIA, FRESNO VARIANT. Identifiers: Orphanet 100, MedGen C0004135, MONDO:0008840, OMIM 208900.

Submission:

Labcorp Genetics (formerly Invitae), Labcorp
Classification: Uncertain significance for Ataxia-telangiectasia syndrome. Last evaluated: 2019-08-30. Review status: criteria provided, single submitter. Criteria: Invitae Variant Classification Sherloc (09022015). Collection method: clinical testing. Allele origin: germline.
Comment: Algorithms developed to predict the effect of missense changes on protein structure and function are either unavailable or do not agree on the potential impact of this missense change (SIFT: "Deleterious"; PolyPhen-2: "Probably Damaging"; Align-GVGD: "Class C15"). In summary, the available evidence is currently insufficient to determine the role of this variant in disease. Therefore, it has been classified as a Variant of Uncertain Significance. This sequence change replaces histidine with proline at codon 943 of the ATM protein (p.His943Pro). The histidine residue is highly conserved and there is a moderate physicochemical difference between histidine and proline. This variant is not present in population databases (ExAC no frequency). This variant has not been reported in the literature in individuals with ATM-related conditions.

NM_000051.4(ATM):c.2828A>C (p.His943Pro)

Gene: ATM (ATM serine/threonine kinase; plus strand). Cytogenetic location: 11q22.3.
Variant type: single nucleotide variant.
Coding change: c.2828A>C on transcript NM_000051.4 (MANE Select); coding-DNA position 2828, A replaced by C.
Protein change: p.His943Pro; replaces histidine 943 with proline.
Molecular consequence: missense variant.
Genome position (GRCh38, 1-based): chr11:108,268,599, A>C. VCF-style: chr11-108268599-A-C. GRCh37 (hg19) VCF-style: chr11-108139326-A-C.
Other names: c.2828A>C, p.His943Pro (NM_001351834.2); short protein forms H943P.
Identifiers: ClinVar variation 954001 (VCV000954001.9), dbSNP rs2081396482, ClinGen allele CA382545812.